The following is an entry in ClinVar:

ClinVar aggregate classification (germline): Uncertain significance (1 of 4 stars; one submission).

Conditions:
Autosomal dominant limb-girdle muscular dystrophy type 1G (LGMDD3). Also called: Limb-girdle muscular dystrophy, type 1G; MUSCULAR DYSTROPHY, LIMB-GIRDLE, AUTOSOMAL DOMINANT 3. Identifiers: Orphanet 55596, MedGen C1836765, MONDO:0012193, OMIM 609115.

gnomAD v4.1: 11 of 1,613,550 alleles (0.00068%); highest among the groups gnomAD compares: East Asian, 0.0067%; no homozygotes.

Submission:

Labcorp Genetics (formerly Invitae), Labcorp
Classification: Uncertain significance for Autosomal dominant limb-girdle muscular dystrophy type 1G. Last evaluated: 2022-05-15. Review status: criteria provided, single submitter. Criteria: Invitae Variant Classification Sherloc (09022015). Collection method: clinical testing. Allele origin: germline.
Comment: In summary, the available evidence is currently insufficient to determine the role of this variant in disease. Therefore, it has been classified as a Variant of Uncertain Significance. Algorithms developed to predict the effect of missense changes on protein structure and function output the following: SIFT: "Deleterious"; PolyPhen-2: "Benign"; Align-GVGD: "Class C0". The glutamine amino acid residue is found in multiple mammalian species, which suggests that this missense change does not adversely affect protein function. This variant has not been reported in the literature in individuals affected with HNRNPDL-related conditions. This variant is present in population databases (rs758689857, gnomAD 0.02%). This sequence change replaces histidine, which is basic and polar, with glutamine, which is neutral and polar, at codon 111 of the HNRNPDL protein (p.His111Gln).

NM_031372.4(HNRNPDL):c.333C>G (p.His111Gln)

Gene: HNRNPDL (heterogeneous nuclear ribonucleoprotein D like; minus strand). Cytogenetic location: 4q21.22.
Variant type: single nucleotide variant.
Coding change: c.333C>G on transcript NM_031372.4 (MANE Select); coding-DNA position 333, C replaced by G.
Protein change: p.His111Gln; replaces histidine 111 with glutamine.
Molecular consequence: missense variant. On other transcripts: non-coding transcript variant (1).
Genome position (GRCh38, 1-based): chr4:82,429,358, G>C on the plus strand (C>G on the coding strand, the complement: HNRNPDL is on the minus strand). VCF-style: chr4-82429358-G-C. GRCh37 (hg19) VCF-style: chr4-83350511-G-C.
Other names: c.333C>G, p.His111Gln (NM_001207000.1); short protein forms H111Q.
Identifiers: ClinVar variation 2137022 (VCV002137022.4), dbSNP rs758689857, ClinGen allele CA2985044.